The following is an entry in ClinVar:

NM_001605.3(AARS1):c.2603C>T (p.Ala868Val)

Gene: AARS1 (alanyl-tRNA synthetase 1; minus strand). Cytogenetic location: 16q22.1.
Variant type: single nucleotide variant.
Coding change: c.2603C>T on transcript NM_001605.3 (MANE Select); coding-DNA position 2603, C replaced by T.
Protein change: p.Ala868Val; replaces alanine 868 with valine.
Molecular consequence: missense variant.
Genome position (GRCh38, 1-based): chr16:70,253,718, G>A on the plus strand (C>T on the coding strand, the complement: AARS1 is on the minus strand). VCF-style: chr16-70253718-G-A. GRCh37 (hg19) VCF-style: chr16-70287621-G-A.
Other names: short protein forms A868V.
Identifiers: ClinVar variation 650952 (VCV000650952.7), dbSNP rs759415214, ClinGen allele CA8140355.
Genomic context (GRCh38, chr16:70,253,718, plus strand): 5'-TCAGCCACCAGAGAGCTGATGAGCCCTAGGGGAGGGGACCCTGGCCCCTGGGTTGCCTTG[G>A]CTGAGGCGCCGCTCTCCATCTCCAGGATGACAAGAGGCTGGTTGGGGTTGCTGTCGATGA-3'
Protein context (NP_001596.2, residues 858-878): VILEMESGAS[Ala868Val]KALNEALKLF

ClinVar aggregate classification (germline): Conflicting classifications of pathogenicity. Review status: criteria provided, conflicting classifications (1 of 4 stars). 2 submissions from 2 submitters: Uncertain significance (1); Likely benign (1). Last evaluated 2025-12-08.

Conditions:
Charcot-Marie-Tooth disease type 2. Also called: Charcot-Marie-Tooth type 2. Identifiers: Orphanet 64746, MedGen C0270914, MONDO:0018993.
AARS1-related disorder. Also called: AARS1-related condition.

Allele frequency attached by ClinVar (database versions not stated): gnomAD 0.00002; gnomAD exomes 0.00002 and 0.00004; TOPMed 0.00002; ExAC 0.00005.
gnomAD v4.1: 15 of 1,613,650 alleles (0.00093%); highest among the groups gnomAD compares: Admixed American, 0.025%; no homozygotes.

Submissions (2):

Labcorp Genetics (formerly Invitae), Labcorp
Classification: Likely benign for Charcot-Marie-Tooth disease type 2. Last evaluated: 2025-12-08. Review status: criteria provided, single submitter. Criteria: Invitae Variant Classification Sherloc (09022015). Collection method: clinical testing. Allele origin: germline.

PreventionGenetics, part of Exact Sciences
Classification: Uncertain significance for AARS1-related condition. Last evaluated: 2025-09-05. Review status: criteria provided, single submitter. Criteria: ACMG Guidelines, 2015. Collection method: clinical testing. Allele origin: germline.
Comment: The AARS1 c.2603C>T variant is predicted to result in the amino acid substitution p.Ala868Val. To our knowledge, this variant has not been reported in the literature. This variant is reported in 0.037% of alleles in individuals of Latino descent in gnomAD. At this time, the clinical significance of this variant is uncertain due to the absence of conclusive functional and genetic evidence.